The following is an entry in ClinVar:

NM_000222.3(KIT):c.388A>G (p.Asn130Asp)

Gene: KIT (KIT proto-oncogene, receptor tyrosine kinase; plus strand). Cytogenetic location: 4q12.
Variant type: single nucleotide variant.
Coding change: c.388A>G on transcript NM_000222.3 (MANE Select); coding-DNA position 388, A replaced by G.
Protein change: p.Asn130Asp; replaces asparagine 130 with aspartic acid.
Molecular consequence: missense variant.
Genome position (GRCh38, 1-based): chr4:54,698,334, A>G. VCF-style: chr4-54698334-A-G. GRCh37 (hg19) VCF-style: chr4-55564500-A-G.
Other names: c.388A>G, p.Asn130Asp (NM_001093772.2, NM_001385284.1, NM_001385285.1 and 4 more transcripts); short protein forms N130D.
Identifiers: ClinVar variation 458945 (VCV000458945.17), dbSNP rs764213036, ClinGen allele CA2923234.

ClinVar aggregate classification (germline): Uncertain significance. Review status: criteria provided, multiple submitters, no conflicts (2 of 4 stars). 2 submissions from 2 submitters: Uncertain significance (2). Last evaluated 2025-05-17.

Conditions:
Gastrointestinal stromal tumor. Also called: Gastrointestinal stroma tumor; Gastrointestinal stromal tumor, somatic. Identifiers: Orphanet 44890, MedGen C0238198, MeSH D046152, MONDO:0011719, OMIM 606764, HP:0100723.
Hereditary cancer-predisposing syndrome. Also called: Tumor predisposition; Hereditary neoplastic syndrome; Neoplastic Syndromes, Hereditary; Hereditary Cancer Syndrome. Identifiers: Orphanet 140162, MedGen C0027672, MeSH D009386, MONDO:0015356.

Allele frequency attached by ClinVar (database versions not stated): ExAC 0.00001; gnomAD exomes 0.00001 and 0.00002.
gnomAD v4.1: 29 of 1,614,098 alleles (0.0018%); highest among the groups gnomAD compares: South Asian, 0.0055%; no homozygotes.

Submissions (2):

Ambry Genetics
Classification: Uncertain significance for Hereditary cancer-predisposing syndrome. Last evaluated: 2025-05-17. Review status: criteria provided, single submitter. Criteria: Ambry Variant Classification Scheme 2023. Collection method: clinical testing. Allele origin: germline.
Comment: The p.N130D variant (also known as c.388A>G), located in coding exon 3 of the KIT gene, results from an A to G substitution at nucleotide position 388. The asparagine at codon 130 is replaced by aspartic acid, an amino acid with highly similar properties. This amino acid position is poorly conserved in available vertebrate species. In addition, this alteration is predicted to be tolerated by in silico analysis. Since supporting evidence is limited at this time, the clinical significance of this alteration remains unclear.

Labcorp Genetics (formerly Invitae), Labcorp
Classification: Uncertain significance for Gastrointestinal stromal tumor. Last evaluated: 2024-05-02. Review status: criteria provided, single submitter. Criteria: Invitae Variant Classification Sherloc (09022015). Collection method: clinical testing. Allele origin: germline.
Comment: This sequence change replaces asparagine, which is neutral and polar, with aspartic acid, which is acidic and polar, at codon 130 of the KIT protein (p.Asn130Asp). This variant is present in population databases (rs764213036, gnomAD 0.007%). This variant has not been reported in the literature in individuals affected with KIT-related conditions. ClinVar contains an entry for this variant (Variation ID: 458945). An algorithm developed to predict the effect of missense changes on protein structure and function (PolyPhen-2) suggests that this variant is likely to be tolerated. In summary, the available evidence is currently insufficient to determine the role of this variant in disease. Therefore, it has been classified as a Variant of Uncertain Significance.